The following is an entry in ClinVar:

NM_001093.4(ACACB):c.566G>A (p.Arg189Gln)

Gene: ACACB (acetyl-CoA carboxylase beta; plus strand). Cytogenetic location: 12q24.11.
Variant type: single nucleotide variant.
Coding change: c.566G>A on transcript NM_001093.4 (MANE Select); coding-DNA position 566, G replaced by A.
Protein change: p.Arg189Gln; replaces arginine 189 with glutamine.
Molecular consequence: missense variant. On other transcripts: intron variant (1).
Genome position (GRCh38, 1-based): chr12:109,139,971, G>A. VCF-style: chr12-109139971-G-A. GRCh37 (hg19) VCF-style: chr12-109577776-G-A.
Other names: c.566G>A, p.Arg189Gln (NM_001412734.1, NM_001412735.1); c.26+26556G>A (NM_001412737.1); short protein forms R189Q.
Identifiers: ClinVar variation 3044486 (VCV003044486.9), dbSNP rs118018469, ClinGen allele CA6772963.

ClinVar aggregate classification (germline): Benign. Review status: criteria provided, single submitter (1 of 4 stars). 2 submissions from 2 submitters: Benign (1). 1 of the submissions does not count toward it. Last evaluated 2025-04-01.

Conditions:
ACACB-related disorder. Also called: ACACB-related condition.

Allele frequency attached by ClinVar (database versions not stated): 1000 Genomes Project 30x 0.00047; 1000 Genomes Project 0.00060; TOPMed 0.00099; ESP Exome Variant Server 0.00108; ExAC 0.00143; gnomAD exomes 0.00156; gnomAD 0.00171.
gnomAD v4.1: 2,488 of 1,613,860 alleles (0.15%); highest among the groups gnomAD compares: Non-Finnish European, 0.19%; 7 homozygotes.

Submissions (2):

CeGaT Center for Human Genetics Tuebingen
Classification: Benign. Last evaluated: 2025-04-01. Review status: criteria provided, single submitter. Criteria: CeGaT Center For Human Genetics Tuebingen Variant Classification Criteria Version 2. Collection method: clinical testing. Allele origin: germline. Affected: yes. Observed: 1 variant allele.
Comment: ACACB: PP2, BP4, BS1, BS2

PreventionGenetics, part of Exact Sciences
Classification: Likely benign for ACACB-related condition. Last evaluated: 2022-02-07. Review status: no assertion criteria provided. Collection method: clinical testing. Allele origin: germline. Not counted in ClinVar's aggregate classification.
Comment: This variant is classified as likely benign based on ACMG/AMP sequence variant interpretation guidelines (Richards et al. 2015 PMID: 25741868, with internal and published modifications).